The following is an entry in ClinVar:

NM_152743.4(BRAT1):c.1304C>T (p.Thr435Met)

Gene: BRAT1 (BRCA1 associated ATM activator 1; minus strand). Cytogenetic location: 7p22.3.
Variant type: single nucleotide variant.
Coding change: c.1304C>T on transcript NM_152743.4 (MANE Select); coding-DNA position 1304, C replaced by T.
Protein change: p.Thr435Met; replaces threonine 435 with methionine.
Molecular consequence: missense variant. On other transcripts: non-coding transcript variant (1).
Genome position (GRCh38, 1-based): chr7:2,541,315, G>A on the plus strand (C>T on the coding strand, the complement: BRAT1 is on the minus strand). VCF-style: chr7-2541315-G-A. GRCh37 (hg19) VCF-style: chr7-2580949-G-A.
Other names: c.1304C>T, p.Thr435Met (NM_001350626.2); c.779C>T, p.Thr260Met (NM_001350627.2); short protein forms T435M, T260M.
Identifiers: ClinVar variation 578990 (VCV000578990.16), dbSNP rs745563920, ClinGen allele CA4127844.

ClinVar aggregate classification (germline): Conflicting classifications of pathogenicity. Review status: criteria provided, conflicting classifications (1 of 4 stars). 3 submissions from 3 submitters: Uncertain significance (2); Likely benign (1). Last evaluated 2024-11-11.

Conditions:
Inborn genetic diseases. Identifiers: MedGen C0950123, MeSH D030342.
Neonatal-onset encephalopathy with rigidity and seizures. Also called: Lethal neonatal spasticity-epileptic encephalopathy syndrome. Identifiers: Orphanet 435845, MedGen C3281029, MONDO:0013784, OMIM 614498.

Allele frequency attached by ClinVar (database versions not stated): gnomAD exomes 0.00001 and 0.00003; ExAC 0.00004; TOPMed 0.00006; gnomAD 0.00007.
gnomAD v4.1: 22 of 1,595,316 alleles (0.0014%); highest among the groups gnomAD compares: African/African-American, 0.013%; no homozygotes.

Submissions (3):

Labcorp Genetics (formerly Invitae), Labcorp
Classification: Likely benign for Neonatal-onset encephalopathy with rigidity and seizures. Last evaluated: 2024-11-11. Review status: criteria provided, single submitter. Criteria: Invitae Variant Classification Sherloc (09022015). Collection method: clinical testing. Allele origin: germline.

GeneDx
Classification: Uncertain significance. Last evaluated: 2022-08-19. Review status: criteria provided, single submitter. Criteria: GeneDx Variant Classification Process June 2021. Collection method: clinical testing. Allele origin: germline. Affected: yes.
Comment: In silico analysis supports that this missense variant does not alter protein structure/function; Has not been previously published as pathogenic or benign to our knowledge

Ambry Genetics
Classification: Uncertain significance for Inborn genetic diseases. Last evaluated: 2021-08-16. Review status: criteria provided, single submitter. Criteria: Ambry Variant Classification Scheme 2023. Collection method: clinical testing. Allele origin: germline.